The following is an entry in ClinVar:

ClinVar aggregate classification (germline): Uncertain significance (1 of 4 stars; one submission).

Conditions:
Pyridine Nucleotide-Disulfide Oxidoreductase Domain 2 related mitochanodrial defect.

gnomAD v4.1: 3 of 1,614,176 alleles (0.00019%); highest among the groups gnomAD compares: East Asian, 0.0022%; no homozygotes.

Submission:

Kasturba Medical College, Manipal, Kasturba Medical College, Manipal, Manipal Academy of Higher Education, Manipal, India
Classification: Uncertain significance for Pyridine Nucleotide-Disulfide Oxidoreductase Domain 2 related mitochanodrial defect. Review status: criteria provided, single submitter. Criteria: ACMG Guidelines, 2015. Collection method: research. Allele origin: germline. Inheritance: Autosomal recessive inheritance. Affected: yes. Observed: 1 homozygote.
Comment: A novel missense variant, c.734C>T p.(Ala245Val) in exon 8 of PYROXD2 (NM_032709.3) was observed in homozygous state in Ghanashyam G P. This variant is absent in heterozygous and homozygous state in population database gnomAD v3.1.2 and in our in-house database of 3165 exomes. Multiple in silico prediction tools (CADD_phred, MutationTaster, REVEL) were consistent in predicting the variant to be disease-causing to PYROXD2 protein function. Pyridine Nucleotide-Disulfide Oxidoreductase Domain 2 (PYROXD2, MIM *617889) is a mitochondrial inner membrane/matrix-residing protein and is reported to regulate mitochondrial function (Wang et al., 2019). Recently, a study by Van Bergen et al (2022) reported biallelic variants in PYROXD2 in an individual with progressive neurological deterioration, lactic acidosis, dystonia, central hypotonia, and brain MRI resembling Leigh syndrome. Functional studies in patient fibroblasts showed a heightened sensitivity to mitochondrial metabolic stress and increased mitochondrial superoxide levels. Quantitative proteomic analysis demonstrated decreased levels of subunits of the mitochondrial respiratory chain complex I, and both the small and large subunits of the mitochondrial ribosome, suggesting a mitoribosomal defect (Van Bergen et al., 2022). The clinical features observed in Proband overlap with the above-mentioned individual with biallelic variant reported in PYROXD2 by Van Bergen et al (2022). However, in view of limited data available in the literature for variants in PYROXD2 and their association to human disease, further validation of this variant is recommended before clinical use of this report.

Literature cited by the submitters: PubMed 35055180; PubMed 31170524.

NM_032709.3(PYROXD2):c.734C>T (p.Ala245Val)

Genes: MIR1287 (microRNA 1287; minus strand), PYROXD2 (pyridine nucleotide-disulphide oxidoreductase domain 2; minus strand). Cytogenetic location: 10q24.2.
Variant type: single nucleotide variant.
Coding change: c.734C>T on transcript NM_032709.3 (MANE Select); coding-DNA position 734, C replaced by T.
Protein change: p.Ala245Val; replaces alanine 245 with valine.
Molecular consequence: missense variant. On other transcripts: non-coding transcript variant (1).
Genome position (GRCh38, 1-based): chr10:98,395,247, G>A on the plus strand (C>T on the coding strand, the complement: PYROXD2 is on the minus strand). VCF-style: chr10-98395247-G-A. GRCh37 (hg19) VCF-style: chr10-100155004-G-A.
Other names: short protein forms A245V.
Identifiers: ClinVar variation 3897907 (VCV003897907.1).